The following is an entry in ClinVar:

ClinVar aggregate classification (germline): Uncertain significance (0 of 4 stars; one submission).

Conditions:
KSR2-related disorder. Also called: KSR2-related condition.

Submission:

PreventionGenetics, part of Exact Sciences
Classification: Uncertain significance for KSR2-related condition. Last evaluated: 2024-03-23. Review status: no assertion criteria provided. Collection method: clinical testing. Allele origin: germline.
Comment: The KSR2 c.350C>T variant is predicted to result in the amino acid substitution p.Ala117Val. To our knowledge, this variant has not been reported in the literature or in a large population database, indicating this variant is rare. At this time, the clinical significance of this variant is uncertain due to the absence of conclusive functional and genetic evidence.

NM_173598.6(KSR2):c.437C>T (p.Ala146Val)

Gene: KSR2 (kinase suppressor of ras 2; minus strand). Cytogenetic location: 12q24.23.
Variant type: single nucleotide variant.
Coding change: c.437C>T on transcript NM_173598.6 (MANE Select); coding-DNA position 437, C replaced by T.
Protein change: p.Ala146Val; replaces alanine 146 with valine.
Molecular consequence: missense variant.
Genome position (GRCh38, 1-based): chr12:117,855,463, G>A on the plus strand (C>T on the coding strand, the complement: KSR2 is on the minus strand). VCF-style: chr12-117855463-G-A. GRCh37 (hg19) VCF-style: chr12-118293268-G-A.
Other names: short protein forms A146V.
Identifiers: ClinVar variation 3349725 (VCV003349725.1).